The following is an entry in ClinVar:

NM_003070.5(SMARCA2):c.1601A>G (p.Asp534Gly)

Gene: SMARCA2 (SWI/SNF related BAF chromatin remodeling complex subunit ATPase 2; plus strand). Cytogenetic location: 9p24.3.
Variant type: single nucleotide variant.
Coding change: c.1601A>G on transcript NM_003070.5 (MANE Select); coding-DNA position 1601, A replaced by G.
Protein change: p.Asp534Gly; replaces aspartic acid 534 with glycine.
Molecular consequence: missense variant.
Genome position (GRCh38, 1-based): chr9:2,060,895, A>G. VCF-style: chr9-2060895-A-G. GRCh37 (hg19) VCF-style: chr9-2060895-A-G.
Other names: c.1601A>G, p.Asp534Gly (NM_001289396.2, NM_001289397.2, NM_139045.4); short protein forms D534G.
Identifiers: ClinVar variation 1319165 (VCV001319165.4), dbSNP rs2130363709, ClinGen allele CA372782554.

ClinVar aggregate classification (germline): Likely pathogenic. Review status: criteria provided, multiple submitters, no conflicts (2 of 4 stars). 2 submissions from 2 submitters: Likely pathogenic (2). Last evaluated 2025-09-09.

Conditions:
Blepharophimosis-impaired intellectual development syndrome. Identifiers: Orphanet 637013, MedGen C5443984, MONDO:0859139, OMIM 619293.

Submissions (2):

3billion
Classification: Likely pathogenic for Blepharophimosis-impaired intellectual development syndrome. Last evaluated: 2025-09-09. Review status: criteria provided, single submitter. Criteria: ACMG Guidelines, 2015. Collection method: clinical testing. Allele origin: germline. Affected: yes.
Comment: The variant is not observed in the gnomAD v4.1.0 dataset. Predicted Consequence/Location: Missense variant. Missense changes are a common disease-causing mechanism. In silico tool predictions suggest damaging effect of the variant on gene or gene product [REVEL: 0.60 (>=0.6, sensitivity 0.68 and specificity 0.92); 3Cnet: 0.96 (> 0.75, sensitivity 0.96 and precision 0.92)]. The same nucleotide change resulting in the same amino acid change has been previously reported to be associated with SMARCA2-related disorder (ClinVar ID: VCV001319165). Different missense changes at the same codon (p.Asp534Asn, p.Asp534His, p.Asp534Tyr) have been reported as pathogenic/likely pathogenic with strong evidence (ClinVar ID: VCV000217002, VCV000827769, VCV000988516 /PMID: 25326637, 32694869). Therefore, this variant is classified as Likely pathogenic according to the recommendation of ACMG/AMP guideline.

Institute for Clinical Genetics, University Hospital TU Dresden, University Hospital TU Dresden
Classification: Likely pathogenic. Last evaluated: 2021-11-03. Review status: criteria provided, single submitter. Criteria: ACMG Guidelines, 2015. Collection method: clinical testing. Allele origin: germline.

Literature cited by the submitters: PubMed 25326637 (cited by 3billion).